The following is an entry in ClinVar:

ClinVar aggregate classification (germline): Pathogenic (1 of 4 stars; one submission).

Conditions:
Long QT syndrome (LQTS). Identifiers: MedGen C0023976, MeSH D008133, MONDO:0002442. Disease mechanism: loss of function. Inheritance: Various modes of inheritance.

Submission:

Labcorp Genetics (formerly Invitae), Labcorp
Classification: Pathogenic for Long QT syndrome. Last evaluated: 2025-10-09. Review status: criteria provided, single submitter. Criteria: Invitae Variant Classification Sherloc (09022015). Collection method: clinical testing. Allele origin: germline.
Comment: This sequence change creates a premature translational stop signal (p.Pro1086Alafs*33) in the KCNH2 gene. While this is not anticipated to result in nonsense mediated decay, it is expected to disrupt the last 74 amino acid(s) of the KCNH2 protein. This variant is not present in population databases (gnomAD no frequency). This premature translational stop signal has been observed in individuals with long QT syndrome (PMID: 19716085, 19841300, 21483829). This variant is also known as P1086fs+32X; 3256InsG. ClinVar contains an entry for this variant (Variation ID: 1076264). This variant disrupts a region of the KCNH2 protein in which other variant(s) (p.Glu1119*) have been determined to be pathogenic (PMID: 27920829). This suggests that this is a clinically significant region of the protein, and that variants that disrupt it are likely to be disease-causing. For these reasons, this variant has been classified as Pathogenic.

Literature cited by the submitters: PubMed 19716085; PubMed 19841300; PubMed 21483829; PubMed 27920829.

NM_000238.4(KCNH2):c.3255dup (p.Pro1086fs)

Gene: KCNH2 (potassium voltage-gated channel subfamily H member 2; minus strand). Cytogenetic location: 7q36.1.
Variant type: Duplication.
Coding change: c.3255dup on transcript NM_000238.4 (MANE Select); coding-DNA position 3255, one base duplicated (G; older notation c.3255dupG).
Protein change: p.Pro1086fs; shifts the reading frame from proline 1086.
Molecular consequence: frameshift variant.
Genome position (GRCh38, 1-based): chr7:150,946,952, C duplicated on the plus strand (G on the coding strand, the reverse complement: KCNH2 is on the minus strand); the first of 4 consecutive C bases (chr7:150,946,952-150,946,955); duplicating any one gives the same sequence. VCF-style (leftmost placement, unchanged base first): chr7-150946951-G-GC. GRCh37 (hg19) VCF-style: chr7-150644039-G-GC.
Other names: c.2235dup, p.Pro746fs (NM_172057.3); short protein forms P1086fs, P746fs.
Identifiers: ClinVar variation 1076264 (VCV001076264.9), dbSNP rs1064795855, ClinGen allele CA2499218780.
Genomic context (GRCh38, chr7:150,946,951, plus strand): 5'-CCAAGGTGAGGGTGGGGAGGGGGCTGACGGGCAACAGCGGGGATGTGGAAGTGGGGCCAG[G>GC]CCCCGGGGTGGTCACAGCACTGTAGGCGGGCGGGACCAGCGTCATCTGCCTCTGTAGCAG-3'